The following is an entry in ClinVar:

NM_000388.4(CASR):c.2261A>C (p.Gln754Pro)

Gene: CASR (calcium sensing receptor; plus strand). Cytogenetic location: 3q21.1.
Variant type: single nucleotide variant.
Coding change: c.2261A>C on transcript NM_000388.4 (MANE Select); coding-DNA position 2261, A replaced by C.
Protein change: p.Gln754Pro; replaces glutamine 754 with proline.
Molecular consequence: missense variant.
Genome position (GRCh38, 1-based): chr3:122,284,215, A>C. VCF-style: chr3-122284215-A-C. GRCh37 (hg19) VCF-style: chr3-122003062-A-C.
Other names: c.2291A>C, p.Gln764Pro (NM_001178065.2); short protein forms Q754P, Q764P.
Identifiers: ClinVar variation 463925 (VCV000463925.10), dbSNP rs777361297, ClinGen allele CA354159209.
Genomic context (GRCh38, chr3:122,284,215, plus strand): 5'-TGCAGATTGTCATCTGTGTGATCTGGCTCTACACCGCGCCCCCGTCAAGCTACCGCAACC[A>C]GGAGCTGGAGGATGAGATCATCTTCATCACGTGCCACGAGGGCTCCCTCATGGCCCTGGG-3'
Protein context (NP_000379.3, residues 744-764): YTAPPSSYRN[Gln754Pro]ELEDEIIFIT

ClinVar aggregate classification (germline): Uncertain significance. Review status: criteria provided, multiple submitters, no conflicts (2 of 4 stars). 2 submissions from 2 submitters: Uncertain significance (2). Last evaluated 2024-02-19.

Conditions:
Familial hypocalciuric hypercalcemia (FHH). Also called: Familial benign hypercalcemia. Identifiers: Orphanet 405, MedGen C1809471, MONDO:0018458.
Autosomal dominant hypocalcemia 1 (HYPOC1). Also called: HYPOCALCEMIA, FAMILIAL. Identifiers: MedGen C3715128, MONDO:0011013, OMIM 601198.
Nephrolithiasis/nephrocalcinosis. Identifiers: MedGen CN580796.

gnomAD v4.1: 2 of 1,614,042 alleles (0.00012%); highest among the groups gnomAD compares: Admixed American, 0.0017%; no homozygotes.

Submissions (2):

Labcorp Genetics (formerly Invitae), Labcorp
Classification: Uncertain significance for Familial hypocalciuric hypercalcemia; Autosomal dominant hypocalcemia 1. Last evaluated: 2024-02-19. Review status: criteria provided, single submitter. Criteria: Invitae Variant Classification Sherloc (09022015). Collection method: clinical testing. Allele origin: germline.
Comment: This sequence change replaces glutamine, which is neutral and polar, with proline, which is neutral and non-polar, at codon 754 of the CASR protein (p.Gln754Pro). This variant is present in population databases (no rsID available, gnomAD 0.003%). This variant has not been reported in the literature in individuals affected with CASR-related conditions. ClinVar contains an entry for this variant (Variation ID: 463925). An algorithm developed to predict the effect of missense changes on protein structure and function (PolyPhen-2) suggests that this variant is likely to be tolerated. In summary, the available evidence is currently insufficient to determine the role of this variant in disease. Therefore, it has been classified as a Variant of Uncertain Significance.

Ambry Genetics
Classification: Uncertain significance for Nephrolithiasis/nephrocalcinosis. Last evaluated: 2022-07-27. Review status: criteria provided, single submitter. Criteria: Ambry Variant Classification Scheme 2023. Collection method: clinical testing. Allele origin: germline.
Comment: The p.Q754P variant (also known as c.2261A>C), located in coding exon 6 of the CASR gene, results from an A to C substitution at nucleotide position 2261. The glutamine at codon 754 is replaced by proline, an amino acid with similar properties. This amino acid position is conserved. In addition, this alteration is predicted to be tolerated by in silico analysis. Since supporting evidence is limited at this time, the clinical significance of this alteration remains unclear.